The following is an entry in ClinVar:

ClinVar aggregate classification (germline): Uncertain significance. Review status: criteria provided, multiple submitters, no conflicts (2 of 4 stars). 3 submissions from 3 submitters: Uncertain significance (3). Last evaluated 2025-08-03.

Conditions:
Spinocerebellar ataxia type 11 (SCA11). Identifiers: Orphanet 98767, MedGen C1858351, MONDO:0011464, OMIM 604432.

Allele frequency attached by ClinVar (database versions not stated): gnomAD exomes below 0.00001.
gnomAD v4.1: 1 of 1,606,286 alleles (0.000062%); highest among the groups gnomAD compares: Non-Finnish European, 0.000085%; no homozygotes.

Submissions (3):

GeneDx
Classification: Uncertain significance. Last evaluated: 2025-08-03. Review status: criteria provided, single submitter. Criteria: GeneDx Variant Classification Process June 2021. Collection method: clinical testing. Allele origin: germline.
Comment: Not observed at significant frequency in large population cohorts (gnomAD); Nonsense variant predicted to result in protein truncation or nonsense mediated decay in a gene or region of a gene for which loss of function is not a well-established mechanism of disease; Has not been previously published as pathogenic or benign to our knowledge

Revvity Omics, Revvity
Classification: Uncertain significance for Spinocerebellar ataxia type 11. Last evaluated: 2025-03-25. Review status: criteria provided, single submitter. Criteria: ACMG Guidelines, 2015. Collection method: clinical testing. Allele origin: germline.

Labcorp Genetics (formerly Invitae), Labcorp
Classification: Uncertain significance. Last evaluated: 2022-08-24. Review status: criteria provided, single submitter. Criteria: Invitae Variant Classification Sherloc (09022015). Collection method: clinical testing. Allele origin: germline.
Comment: In summary, the available evidence is currently insufficient to determine the role of this variant in disease. Therefore, it has been classified as a Variant of Uncertain Significance. ClinVar contains an entry for this variant (Variation ID: 948646). This variant has not been reported in the literature in individuals affected with TTBK2-related conditions. This variant is not present in population databases (gnomAD no frequency). This sequence change creates a premature translational stop signal (p.Arg181*) in the TTBK2 gene. It is expected to result in an absent or disrupted protein product. However, the current clinical and genetic evidence is not sufficient to establish whether loss-of-function variants in TTBK2 cause disease.

NM_173500.4(TTBK2):c.541C>T (p.Arg181Ter)

Gene: TTBK2 (tau tubulin kinase 2; minus strand). Cytogenetic location: 15q15.2.
Variant type: single nucleotide variant.
Coding change: c.541C>T on transcript NM_173500.4 (MANE Select); coding-DNA position 541, C replaced by T.
Protein change: p.Arg181Ter; replaces arginine 181 with a stop codon.
Molecular consequence: nonsense.
Genome position (GRCh38, 1-based): chr15:42,817,094, G>A on the plus strand (C>T on the coding strand, the complement: TTBK2 is on the minus strand). VCF-style: chr15-42817094-G-A. GRCh37 (hg19) VCF-style: chr15-43109292-G-A.
Other names: short protein forms R181*.
Identifiers: ClinVar variation 948646 (VCV000948646.8), dbSNP rs1892069672, ClinGen allele CA392047562.